The following continues an entry in ClinVar:

NM_025216.3(WNT10A):c.682T>A (p.Phe228Ile)

Gene: WNT10A. ClinVar aggregate classification (germline): Pathogenic/Likely pathogenic/Pathogenic, low penetrance. Pathogenic (30); Likely pathogenic (5); Pathogenic, low penetrance (2).

Submissions 21 to 33 of 44:

Laboratory for Molecular Medicine, Mass General Brigham Personalized Medicine
Classification: Pathogenic for Hypohidrotic ectodermal dysplasia. Last evaluated: 2023-09-12. Review status: criteria provided, single submitter. Criteria: ACMG Guidelines, 2015. Collection method: clinical testing. Allele origin: germline. Inheritance: Autosomal recessive inheritance.
Comment: The p.Phe228Ile variant in WNT10A has been reported in over 50 individuals with clinical features of ectodermal dysplasia or isolated tooth agenesis (hypodontia) in the homozygous or compound heterozygous state. It has also been seen in the heterozygous state in individuals with tooth agenesis with or without some features of ectodermal dysplasia as well as in asymptomatic family members. This variant segregated with disease in at least 17 affected individuals from multiple families (Bohring 2009 PMID: 19559398, Kantaputra 2011 PMID: 21484994, van den Boogaard 2012 PMID: 22581971, Mostowska 2013 PMID: 23167694, Plaisancie 2013 PMID: 23401279, Arzoo 2013 PMID: 24449199, Mues 2014 PMID: 24700731). This variant has also been reported by other clinical laboratories in ClinVar (Variation ID 4462) and has been identified in 3.5% (120/3470) of Ashkenazi Jewish and 2.2% (1515/67998) of European chromosomes, including many homozygotes by gnomAD (v.3.1.2). However, studies have consistently found that it is in a significantly higher proportion of tooth agenesis cohorts than control cohorts (Bohring 2009 PMID: 19559398, Arzoo 2013 PMID: 24449199, Mues 2014 PMID: 24700731). In a large meta-analysis, this variant was associated with a 2.25-3.42-fold risk (95% CI: 1.39-4.10) for isolated tooth agenesis, the autosomal dominant condition associated with WNT10A (Jonsson 2018 PMID: 29364747). This variant is thought to have lower penetrance with variable expressivity, as heterozygotes for this variant were either asymptomatic or had hypodontia and/or mild clinical features of ectodermal dysplasia (Bohring 2009 PMID: 19559398). Computational prediction tools and conservation analyses suggest that this variant may impact the protein. In summary, this variant meets criteria to be classified as pathogenic for clinical features of ectodermal dysplasia, ranging from isolated tooth agenesis with or without other clinical features in the heterozygous state to a classic ectodermal dysplasia phenotype in the homozygous or compound heterozygous state. However, this variant is associated with a lower penetrant disease compared to other pathogenic variants in the WNT10A gene. ACMG/AMP Criteria applied: PM3_VeryStrong, PP1_Strong, PP3.

Division of Human Genetics, National Health Laboratory Service/University of the Witwatersrand
Classification: Pathogenic for Ectodermal dysplasia. Last evaluated: 2023-07-01. Review status: criteria provided, single submitter. Criteria: ACMG Guidelines, 2015. Collection method: research. Allele origin: germline. Affected: yes.

Johns Hopkins Genomics, Johns Hopkins University
Classification: Pathogenic for Odonto-onycho-dermal dysplasia. Last evaluated: 2023-04-12. Review status: criteria provided, single submitter. Criteria: ACMG Guidelines, 2015. Collection method: clinical testing. Allele origin: germline.

New York Genome Center
Classification: Pathogenic for Schöpf-Schulz-Passarge syndrome; Odonto-onycho-dermal dysplasia; Tooth agenesis, selective, 4. Last evaluated: 2023-03-22. Review status: criteria provided, single submitter. Criteria: NYGC Assertion Criteria 2020. Collection method: clinical testing. Allele origin: inherited. Observed: 2 heterozygotes. Clinical features observed: Chronic sinusitis (HP:0011109), Recurrent ear infections (HP:0410018), Recurrent respiratory infections (HP:0002205), Type 2 diabetes mellitus (HP:0005978), Hypothyroidism (HP:0000821), Peripheral neuropathy (HP:0009830), Recurrent infections (HP:0002719), Decreased circulating IgG concentration (HP:0004315).

Illumina Laboratory Services, Illumina
Classification: Pathogenic. Last evaluated: 2022-10-07. Review status: criteria provided, single submitter. Criteria: ICSL CNVClassificationCriteria Aug2020. Collection method: clinical testing. Allele origin: unknown. Affected: yes.
Comment: The WNT10A c.682T>A (p.Phe228Ile) missense variant results in the substitution of phenylalanine at amino acid position 228 with isoleucine. This variant is one of the most commonly reported WNT10A variants associated with hypodontia and ectodermal dysplasia. Across a selection of the available literature, the c.682T>A variant has been reported in a homozygous state in 12 unrelated affected individuals, in a compound heterozygous state in 11, and in a heterozygous state in six (PMID: 22581971; PMID: 28105635). It has also been shown to co-segregate with the phenotype with reduced penetrance in multiple families (PMID: 30426266). The highest frequency of this allele in the Genome Aggregation Database is 0.03482 in the Ashkenazi Jewish population (version 2.2.1). In the total population, it is reported in a homozygous state in 42 individuals. This frequency is high but consistent with the reduced penetrance demonstrated for the variant and the prevalence and variable expressivity of the disease. A case-control study of over 2000 individuals found the c.682T>A variant conferred a 3.25-fold increased risk for isolated tooth agenesis (95% CI: 2.74-3.85) (PMID: 29364747). This variant is located in the Wnt domain, in a region implicated in interactions with Frizzled and thus intracellular Wnt signaling (PMID: 28105635), and is predicted to affect protein function by computational algorithms. Based on the available evidence, the c.682T>A (p.Phe228Ile) variant is classified as pathogenic for WNT10A-related disorders.

MGZ Medical Genetics Center
Classification: Pathogenic for Tooth agenesis, selective, 4. Last evaluated: 2022-06-13. Review status: criteria provided, single submitter. Criteria: ACMG Guidelines, 2015. Collection method: clinical testing. Allele origin: germline. Affected: yes. Observed: 7 variant alleles.
Comment: ACMG criteria applied: PS4, PM3, PP1_MOD, PM2_SUP, PP3

Mendelics
Classification: Pathogenic for Odonto-onycho-dermal dysplasia. Last evaluated: 2022-05-27. Review status: criteria provided, single submitter. Criteria: Mendelics Assertion Criteria 2017. Collection method: clinical testing. Allele origin: unknown.

AURAGEN, Plan France Médecine Génomique
Classification: Pathogenic for Multiple congenital anomalies/dysmorphic syndrome-intellectual disability. Last evaluated: 2022-02-18. Review status: criteria provided, single submitter. Criteria: PFMG2025 (Lancet Reg Health Eur. 2025). Collection method: clinical testing. Allele origin: germline. Affected: yes.

Greenwood Genetic Center Diagnostic Laboratories, Greenwood Genetic Center
Classification: Pathogenic for Schöpf-Schulz-Passarge syndrome; Tooth agenesis, selective, 4. Last evaluated: 2021-08-27. Review status: criteria provided, single submitter. Criteria: ACMG Guidelines, 2015. Collection method: clinical testing. Allele origin: germline. Affected: yes.
Comment: PM3_Strong, PP1, PP3

Genetics and Molecular Pathology, SA Pathology
Classification: Likely pathogenic for Tooth agenesis, selective, 4. Last evaluated: 2021-05-12. Review status: criteria provided, single submitter. Criteria: ACMG Guidelines, 2015. Collection method: clinical testing. Allele origin: germline. Affected: yes.
Comment: The WNT10A c.682T>A variant is classified as LIKELY PATHOGENIC (low penetrance) (PP3, PS3, PS4) The WNT10A c.682T>A variant is a single nucleotide change in exon 3 of the WNT10A gene, which is predicted to change the amino acid phenylalanine at position 228 in the protein to isoleucine. This variant has been reported in a heterozygous state in many individuals with isolated hypodontia or oligodontia, as well as in unaffected carriers and is therefore considered to be a pathogenic variant with low penetrance. Although the population frequency is high (approximately 1.37%), the incidence of this dental agenesis is significantly higher (approximately 6.75%) (PMID:25713620) (PS4). Large meta analysis shows 2.25 - 3.42 fold increased risk for isolated tooth agenesis (PMID:29364747) (PS3). This variant has conflicting reports of pathogenicity in ClinVar, although the majority of other diagnostic laboratories classify it as pathogenic (ClinVar Variation ID: 19501). This variant has been reported as damaging in HGMD (CM094237). Computational predictions support a deleterious effect on the gene or gene product (PP3).

GeneDx
Classification: Pathogenic. Last evaluated: 2020-07-27. Review status: criteria provided, single submitter. Criteria: GeneDx Variant Classification Process June 2021. Collection method: clinical testing. Allele origin: germline. Affected: yes.
Comment: One of the most common pathogenic variants reported in this gene associated with semi-dominant ectodermal dysplasia with variable expressivity; Observed in the heterozygous state in individuals with isolated hypodontia or oligodontia, in individuals with other features of ectodermal dysplasia, and also in unaffected carriers (Bohring et al., 2009; Kantaputra et al., 2011; Cluzeau et al., 2011; van den Boogaard et al., 2012; Mostowska et al., 2013; Plaisancie et al., 2013; Tardieu et al., 2017); Case control studies suggest this variant is associated with hypodontia (van den Boogaard et al., 2012); In silico analysis supports that this missense variant has a deleterious effect on protein structure/function; This variant is associated with the following publications: (PMID: 21484994, 20301291, 23401279, 22581971, 24700731, 23167694, 24398796, 24123366, 25333069, 21228398, 24702986, 23991204, 25629078, 19559398, 28105635, 20979233, 27881089, 26049155, 25545742, 26087098, 28813618, 28976000, 29364747, 29364501, 29431110, 24449199, 21279306, 30046887, 30426266, 31798653, 32618450, 31618753, 33144682)

Undiagnosed Diseases Network, NIH
Classification: Likely pathogenic for Tooth agenesis, selective, 4. Last evaluated: 2018-03-12. Review status: criteria provided, single submitter. Criteria: ACMG Guidelines, 2015. Collection method: clinical testing. Allele origin: maternal. Inheritance: Autosomal dominant inheritance. Affected: yes. Observed: 1 variant allele, 1 heterozygote. Study: Undiagnosed Diseases Network (NIH), UDN.

Centre of Medical Genetics, University Hospital Muenster
Classification: Pathogenic. Last evaluated: 2017-01-17. Review status: criteria provided, single submitter. Criteria: ACMG Guidelines, 2015. Collection method: clinical testing. Allele origin: unknown. Affected: yes. Observed: 1 variant allele, 1 homozygote.
Comment: ACMG categories: PS4,PS5,PP3,PP4,PP5